The following is an entry in ClinVar:

NM_206933.4(USH2A):c.7118del (p.Pro2373fs)

Gene: USH2A (usherin; minus strand). Cytogenetic location: 1q41.
Variant type: Deletion.
Coding change: c.7118del on transcript NM_206933.4 (MANE Select); coding-DNA position 7118, one base deleted (C; older notation c.7118delC).
Protein change: p.Pro2373fs; shifts the reading frame from proline 2373.
Molecular consequence: frameshift variant.
Genome position (GRCh38, 1-based): chr1:215,965,319, G deleted on the plus strand (C on the coding strand, the reverse complement: USH2A is on the minus strand); the first of 3 consecutive G bases (chr1:215,965,319-215,965,321); deleting any one gives the same sequence. VCF-style (leftmost placement, unchanged base first): chr1-215965318-TG-T. GRCh37 (hg19) VCF-style: chr1-216138660-TG-T.
Other names: short protein forms P2373fs.
Identifiers: ClinVar variation 1075248 (VCV001075248.9), dbSNP rs2102453751, ClinGen allele CA2499214480.
Genomic context (GRCh38, chr1:215,965,318, plus strand): 5'-AAATAAAAATGAGTTGTTTTCTAATGTTATTTAAAGTTTAGAAAATAAAAACAAATTACC[TG>T]GGTCTACATAGAATATCCCAGTGAAAAGGACTGAGTGTGTTAAGAGTCCATTAGGGCGAA-3'

ClinVar aggregate classification (germline): Pathogenic (1 of 4 stars; one submission).

Submission:

Labcorp Genetics (formerly Invitae), Labcorp
Classification: Pathogenic. Last evaluated: 2017-10-26. Review status: criteria provided, single submitter. Criteria: Invitae Variant Classification Sherloc (09022015). Collection method: clinical testing. Allele origin: germline.
Comment: For these reasons, this variant has been classified as Pathogenic. Loss-of-function variants in USH2A are known to be pathogenic (PMID: 10909849, 20507924, 24944099, 25649381). This variant has been reported in an individual affected with Usher syndrome (PMID: 24944099). This variant is not present in population databases (ExAC no frequency). This sequence change creates a premature translational stop signal (p.Pro2373Glnfs*2) in the USH2A gene. It is expected to result in an absent or disrupted protein product.

Literature cited by the submitters: PubMed 10909849; PubMed 20507924; PubMed 24944099; PubMed 25649381.